The following is an entry in ClinVar:

NM_000717.5(CA4):c.823C>T (p.Gln275Ter)

Gene: CA4 (carbonic anhydrase 4; plus strand). Cytogenetic location: 17q23.1.
Variant type: single nucleotide variant.
Coding change: c.823C>T on transcript NM_000717.5 (MANE Select); coding-DNA position 823, C replaced by T.
Protein change: p.Gln275Ter; replaces glutamine 275 with a stop codon.
Molecular consequence: nonsense. On other transcripts: non-coding transcript variant (1).
Genome position (GRCh38, 1-based): chr17:60,159,308, C>T. VCF-style: chr17-60159308-C-T. GRCh37 (hg19) VCF-style: chr17-58236669-C-T.
Other names: short protein forms Q275*.
Identifiers: ClinVar variation 2703981 (VCV002703981.3), dbSNP rs2544527843, ClinGen allele CA400460649.

ClinVar aggregate classification (germline): Uncertain significance (1 of 4 stars; one submission).

Submission:

Labcorp Genetics (formerly Invitae), Labcorp
Classification: Uncertain significance. Last evaluated: 2023-12-18. Review status: criteria provided, single submitter. Criteria: Invitae Variant Classification Sherloc (09022015). Collection method: clinical testing. Allele origin: germline.
Comment: This sequence change creates a premature translational stop signal (p.Gln275*) in the CA4 gene. While this is not anticipated to result in nonsense mediated decay, it is expected to disrupt the last 38 amino acid(s) of the CA4 protein. This variant is not present in population databases (gnomAD no frequency). This variant has not been reported in the literature in individuals affected with CA4-related conditions. Algorithms developed to predict the effect of sequence changes on RNA splicing suggest that this variant may disrupt the consensus splice site. This variant disrupts a region of the CA4 protein in which other variant(s) (p.Arg279Leu) have been observed in individuals with CA4-related conditions (Invitae). This suggests that this is a clinically significant region of the protein, and that variants that disrupt it are likely to be disease-causing. In summary, the available evidence is currently insufficient to determine the role of this variant in disease. Therefore, it has been classified as a Variant of Uncertain Significance.